The following is an entry in ClinVar:

ClinVar aggregate classification (germline): Uncertain significance. Review status: criteria provided, multiple submitters, no conflicts (2 of 4 stars). 2 submissions from 2 submitters: Uncertain significance (2). Last evaluated 2024-07-30.

Conditions:
Short stature due to partial GHR deficiency. Also called: Growth hormone, insensitivity to, partial; GROWTH HORMONE DEFICIENCY, ISOLATED PARTIAL; GROWTH HORMONE INSENSITIVITY, PARTIAL. Identifiers: Orphanet 314802, Orphanet 314811, MedGen C1858656, MONDO:0011420, OMIM 604271.

Allele frequency attached by ClinVar (database versions not stated): gnomAD 0.00001; TOPMed 0.00001; gnomAD exomes 0.00002; ExAC 0.00002.
gnomAD v4.1: 9 of 1,608,710 alleles (0.00056%); highest among the groups gnomAD compares: East Asian, 0.018%; no homozygotes.

Submissions (2):

Women's Health and Genetics/Laboratory Corporation of America, LabCorp
Classification: Uncertain significance. Last evaluated: 2024-07-30. Review status: criteria provided, single submitter. Criteria: LabCorp Variant Classification Summary - May 2015. Collection method: clinical testing. Allele origin: germline.
Comment: Variant summary: GHR c.497G>A (p.Gly166Glu) results in a non-conservative amino acid change located in the Fibronectin type III domain (IPR003961) of the encoded protein sequence. Three of five in-silico tools predict a damaging effect of the variant on protein function. The variant allele was found at a frequency of 2e-05 in 250948 control chromosomes. The available data on variant occurrences in the general population are insufficient to allow any conclusion about variant significance. c.497G>A has been reported in the literature in individuals affected with short stature with non-growth-hormone deficiency and Congenital hypogonadotropic hypogonadism (Song_2006 and Chen_2020). These report(s) do not provide unequivocal conclusions about association of the variant with Growth Hormone Insensitivity. To our knowledge, no experimental evidence demonstrating an impact on protein function has been reported. The following publications have been ascertained in the context of this evaluation (PMID: 32502767, 32171629, 17274879, 36123965). ClinVar contains an entry for this variant (Variation ID: 225374). Based on the evidence outlined above, the variant was classified as uncertain significance.

Soonchunhyang University Bucheon Hospital, Soonchunhyang University Medical Center
Classification: Uncertain significance for Short stature due to partial GHR deficiency. Last evaluated: 2016-03-18. Review status: criteria provided, single submitter. Criteria: ACMG Guidelines, 2015. Collection method: reference population. Allele origin: germline. Observed: 1 variant allele.

Literature cited by the submitters: PubMed 36123965 (cited by Women's Health and Genetics/Laboratory Corporation of America, LabCorp); PubMed 32171629 (cited by Women's Health and Genetics/Laboratory Corporation of America, LabCorp); PubMed 32502767 (cited by Women's Health and Genetics/Laboratory Corporation of America, LabCorp); PubMed 17274879 (cited by Women's Health and Genetics/Laboratory Corporation of America, LabCorp and Soonchunhyang University Bucheon Hospital, Soonchunhyang University Medical Center).

NM_000163.5(GHR):c.497G>A (p.Gly166Glu)

Gene: GHR (growth hormone receptor; plus strand). Cytogenetic location: 5p12.
Variant type: single nucleotide variant.
Coding change: c.497G>A on transcript NM_000163.5 (MANE Select); coding-DNA position 497, G replaced by A.
Protein change: p.Gly166Glu; replaces glycine 166 with glutamic acid.
Molecular consequence: missense variant.
Genome position (GRCh38, 1-based): chr5:42,699,881, G>A. VCF-style: chr5-42699881-G-A. GRCh37 (hg19) VCF-style: chr5-42699983-G-A.
Other names: c.518G>A, p.Gly173Glu (NM_001242399.2); c.497G>A, p.Gly166Glu (NM_001242400.2, NM_001242401.4, NM_001242402.2 and 5 more transcripts); c.431G>A, p.Gly144Glu (NM_001242460.2); short protein forms G166E, G173E, G144E.
Identifiers: ClinVar variation 225374 (VCV000225374.2), dbSNP rs761856079, ClinGen allele CA3254420.